The following is an entry in ClinVar:

NM_000384.3(APOB):c.7991A>G (p.Asp2664Gly)

Gene: APOB (apolipoprotein B; minus strand). Cytogenetic location: 2p24.1.
Variant type: single nucleotide variant.
Coding change: c.7991A>G on transcript NM_000384.3 (MANE Select); coding-DNA position 7991, A replaced by G.
Protein change: p.Asp2664Gly; replaces aspartic acid 2664 with glycine.
Molecular consequence: missense variant.
Genome position (GRCh38, 1-based): chr2:21,008,877, T>C on the plus strand (A>G on the coding strand, the complement: APOB is on the minus strand). VCF-style: chr2-21008877-T-C. GRCh37 (hg19) VCF-style: chr2-21231749-T-C.
Other names: short protein forms D2664G.
Identifiers: ClinVar variation 3231458 (VCV003231458.4), dbSNP rs764296185, ClinGen allele CA064989.
Genomic context (GRCh38, chr2:21,008,877, plus strand): 5'-AGCTCACTGTTCAGCATCTGGTCAATGGTTCTGATGATCTTTACTTTCATTTCTACAAAG[T>C]CAATTGTAAAGGAAGGAATGTGGAAGGTGTTAAGGATGGTAAATTCTGGTGTGGAAAACC-3'
Protein context (NP_000375.3, residues 2654-2674): NTFHIPSFTI[Asp2664Gly]FVEMKVKIIR

ClinVar aggregate classification (germline): Conflicting classifications of pathogenicity. Review status: criteria provided, conflicting classifications (1 of 4 stars). 3 submissions from 3 submitters: Uncertain significance (2); Likely benign (1). Last evaluated 2025-10-02.

Conditions:
Cardiovascular phenotype. Identifiers: MedGen CN230736.
Hypercholesterolemia, autosomal dominant, type B (FHCL2). Also called: Familial Hypercholesterolemia Type B; APOLIPOPROTEIN B-100, FAMILIAL DEFECTIVE; APOLIPOPROTEIN B-100, FAMILIAL LIGAND-DEFECTIVE; HYPERCHOLESTEROLEMIA, FAMILIAL, DUE TO LIGAND-DEFECTIVE APOLIPOPROTEIN B; Familial hypercholesterolemia 2; APOB-Related Familial Hypercholesterolemia, Autosomal Dominant. Identifiers: MedGen C1704417, MONDO:0007751, OMIM 144010.
Familial hypobetalipoproteinemia 1. Also called: APOB-Related Familial Hypobetalipoproteinemia; Hypobetalipoproteinemia, normotriglyceridemic; Acanthocytosis with hypobetalipoproteinemia. Identifiers: MedGen C4551990, MONDO:0014252, OMIM 615558.

Allele frequency attached by ClinVar (database versions not stated): ExAC 0.00001; gnomAD 0.00002; gnomAD exomes 0.00002; TOPMed 0.00002.
gnomAD v4.1: 27 of 1,613,900 alleles (0.0017%); highest among the groups gnomAD compares: Non-Finnish European, 0.002%; no homozygotes.

Submissions (3):

Labcorp Genetics (formerly Invitae), Labcorp
Classification: Likely benign for Familial hypobetalipoproteinemia 1; Hypercholesterolemia, autosomal dominant, type B. Last evaluated: 2025-10-02. Review status: criteria provided, single submitter. Criteria: Invitae Variant Classification Sherloc (09022015). Collection method: clinical testing. Allele origin: germline.

Ambry Genetics
Classification: Uncertain significance for Cardiovascular phenotype. Last evaluated: 2025-05-30. Review status: criteria provided, single submitter. Criteria: Ambry Variant Classification Scheme 2023. Collection method: clinical testing. Allele origin: germline.
Comment: The p.D2664G variant (also known as c.7991A>G), located in coding exon 26 of the APOB gene, results from an A to G substitution at nucleotide position 7991. The aspartic acid at codon 2664 is replaced by glycine, an amino acid with similar properties. This amino acid position is conserved. In addition, the in silico prediction for this alteration is inconclusive. Since supporting evidence is limited at this time, the clinical significance of this alteration remains unclear.

GeneDx
Classification: Uncertain significance. Last evaluated: 2024-12-18. Review status: criteria provided, single submitter. Criteria: GeneDx Variant Classification Process June 2021. Collection method: clinical testing. Allele origin: germline. Affected: yes.
Comment: In silico analysis supports that this missense variant has a deleterious effect on protein structure/function; Has not been previously published as pathogenic or benign to our knowledge